The following is an entry in ClinVar:

NM_001211.6(BUB1B):c.457C>G (p.Gln153Glu)

Gene: BUB1B (BUB1 mitotic checkpoint serine/threonine kinase B; plus strand). Cytogenetic location: 15q15.1.
Variant type: single nucleotide variant.
Coding change: c.457C>G on transcript NM_001211.6 (MANE Select); coding-DNA position 457, C replaced by G.
Protein change: p.Gln153Glu; replaces glutamine 153 with glutamic acid.
Molecular consequence: missense variant.
Genome position (GRCh38, 1-based): chr15:40,176,549, C>G. VCF-style: chr15-40176549-C-G. GRCh37 (hg19) VCF-style: chr15-40468750-C-G.
Other names: short protein forms Q153E.
Identifiers: ClinVar variation 3993705 (VCV003993705.1).

ClinVar aggregate classification (germline): Uncertain significance (1 of 4 stars; one submission).

Conditions:
Inborn genetic diseases. Identifiers: MedGen C0950123, MeSH D030342.

gnomAD v4.1: 7 of 1,614,034 alleles (0.00043%); highest among the groups gnomAD compares: South Asian, 0.0022%; no homozygotes.

Submission:

Ambry Genetics
Classification: Uncertain significance for Inborn genetic diseases. Last evaluated: 2025-04-13. Review status: criteria provided, single submitter. Criteria: Ambry Variant Classification Scheme 2023. Collection method: clinical testing. Allele origin: germline.
Comment: The p.Q153E variant (also known as c.457C>G), located in coding exon 5 of the BUB1B gene, results from a C to G substitution at nucleotide position 457. The glutamine at codon 153 is replaced by glutamic acid, an amino acid with highly similar properties. This amino acid position is conserved. In addition, this alteration is predicted to be tolerated by in silico analysis. Based on the available evidence, the clinical significance of this variant remains unclear.